The following is an entry in ClinVar:

NM_000535.7(PMS2):c.803+9A>G

Gene: PMS2 (PMS1 homolog 2, mismatch repair system component; minus strand). Cytogenetic location: 7p22.1.
Variant type: single nucleotide variant.
Coding change: c.803+9A>G on transcript NM_000535.7 (MANE Select); 9 bases into the intron after coding-DNA position 803, A replaced by G.
Molecular consequence: intron variant.
Genome position (GRCh38, 1-based): chr7:5,997,317, T>C on the plus strand (A>G on the coding strand, the complement: PMS2 is on the minus strand). VCF-style: chr7-5997317-T-C. GRCh37 (hg19) VCF-style: chr7-6036948-T-C.
Other names: c.485+9A>G (NM_001322008.2, NM_001322007.2); c.398+9A>G (NM_001322010.2, NM_001322004.2, NM_001322003.2 and 2 more transcripts); c.230+9A>G (NM_001322013.2); c.-131+9A>G (NM_001322012.2, NM_001322011.2); c.494+9A>G (NM_001322015.2); c.803+9A>G (NM_001322006.2, NM_001322014.2).
Identifiers: ClinVar variation 975005 (VCV000975005.2), dbSNP rs1784516917, ClinGen allele CA1097970350.

ClinVar aggregate classification (germline): Conflicting classifications of pathogenicity. Review status: criteria provided, conflicting classifications (1 of 4 stars). 2 submissions from 2 submitters: Uncertain significance (1); Likely benign (1). Last evaluated 2025-01-28.

Conditions:
Lynch syndrome 4 (LYNCH4). Also called: Colorectal cancer, hereditary nonpolyposis, type 4; Hereditary non-polyposis colorectal cancer, type 4. Identifiers: Orphanet 144, MedGen C1838333, MONDO:0013699, OMIM 614337. Disease mechanism: loss of function.

Allele frequency attached by ClinVar (database versions not stated): gnomAD 0.00001.

Submissions (2):

Myriad Genetics, Inc.
Classification: Likely benign for Lynch syndrome 4. Last evaluated: 2025-01-28. Review status: criteria provided, single submitter. Criteria: Myriad Autosomal Dominant, Autosomal Recessive and X-Linked Classification Criteria (2023). Collection method: clinical testing. Allele origin: unknown.
Comment: This variant is considered likely benign. This variant is intronic and is not expected to impact mRNA splicing.

Women's Health and Genetics/Laboratory Corporation of America, LabCorp
Classification: Uncertain significance. Last evaluated: 2020-07-16. Review status: criteria provided, single submitter. Criteria: LabCorp Variant Classification Summary - May 2015. Collection method: clinical testing. Allele origin: germline.
Comment: Variant summary: PMS2 c.803+9A>G alters a nucleotide located close to a canonical splice site and therefore could affect mRNA splicing, leading to a significantly altered protein sequence. Several computational tools predict a significant impact on normal splicing: Two predict the variant no significant impact on splicing. Two predict the variant creates a 5' donor site. However, these predictions have yet to be confirmed by functional studies. The variant was absent in 246844 control chromosomes. The available data on variant occurrences in the general population are insufficient to allow any conclusion about variant significance. To our knowledge, no occurrence of c.803+9A>G in individuals affected with Lynch Syndrome and no experimental evidence demonstrating its impact on protein function have been reported. No clinical diagnostic laboratories have submitted clinical-significance assessments for this variant to ClinVar after 2014. Based on the evidence outlined above, the variant was classified as uncertain significance.